The following is an entry in ClinVar:

ClinVar aggregate classification (germline): Uncertain significance (1 of 4 stars; one submission).

gnomAD v4.1: 12 of 151,806 alleles (0.0079%); highest among the groups gnomAD compares: African/African-American, 0.017%; no homozygotes.

Submission:

Greenwood Genetic Center Diagnostic Laboratories, Greenwood Genetic Center
Classification: Uncertain significance. Last evaluated: 2025-12-31. Review status: criteria provided, single submitter. Criteria: ACMG Guidelines, 2015. Collection method: clinical testing. Allele origin: germline. Affected: yes.
Comment: PM2, BP4

NM_001384732.1(CPLANE1):c.8792+749C>T

Gene: CPLANE1 (ciliogenesis and planar polarity effector complex subunit 1; minus strand). Cytogenetic location: 5p13.2.
Variant type: single nucleotide variant.
Coding change: c.8792+749C>T on transcript NM_001384732.1 (MANE Select); 749 bases into the intron after coding-DNA position 8792, C replaced by T.
Molecular consequence: intron variant.
Genome position (GRCh38, 1-based): chr5:37,137,971, G>A on the plus strand (C>T on the coding strand, the complement: CPLANE1 is on the minus strand). VCF-style: chr5-37137971-G-A. GRCh37 (hg19) VCF-style: chr5-37138073-G-A.
Other names: c.8630+749C>T (NM_023073.4).
Identifiers: ClinVar variation 4845564 (VCV004845564.1).
Genomic context (GRCh38, chr5:37,137,971, plus strand): 5'-TCAGGGTTGTTTTTTTTTTTTTAATTTATTGAGACTTGCTTTAAGGCCAAGCATTTGGTC[G>A]ATCTTGGAGTATATTCTGTGTGCAGATGAAAAGAATGTATATTCTGTGGTTGATGGGTGG-3'